The following is an entry in ClinVar:

NM_014846.4(WASHC5):c.3200C>T (p.Pro1067Leu)

Genes: WASHC5 (WASH complex subunit 5; minus strand), LOC126860498 (P300/CBP strongly-dependent group 1 enhancer GRCh37_chr8:126043836-126045035; plus strand). Cytogenetic location: 8q24.13.
Variant type: single nucleotide variant.
Coding change: c.3200C>T on transcript NM_014846.4 (MANE Select); coding-DNA position 3200, C replaced by T.
Protein change: p.Pro1067Leu; replaces proline 1067 with leucine.
Molecular consequence: missense variant.
Genome position (GRCh38, 1-based): chr8:125,032,376, G>A on the plus strand (C>T on the coding strand, the complement: WASHC5 is on the minus strand). VCF-style: chr8-125032376-G-A. GRCh37 (hg19) VCF-style: chr8-126044618-G-A.
Other names: p.Pro1067Leu; c.2756C>T, p.Pro919Leu (NM_001330609.2); short protein forms P1067L, P919L.
Identifiers: ClinVar variation 361713 (VCV000361713.14), dbSNP rs149383757, ClinGen allele CA4873281.
Genomic context (GRCh38, chr8:125,032,376, plus strand): 5'-AACTGCTTCAGCAGAGTGAGCAGTCCCAGGACAAGTGGTGGCCAATCAACCGGGTCGGTC[G>A]GTTTTCGGCAGACCATTCCTGCAAGGGAACAAGTTGCAACACCATATGAAGTACTTGCCT-3'
Protein context (NP_055661.3, residues 1057-1077): NKNLGMVCRK[Pro1067Leu]TDPVDWPPLV

ClinVar aggregate classification (germline): Uncertain significance. Review status: criteria provided, multiple submitters, no conflicts (2 of 4 stars). 3 submissions from 3 submitters: Uncertain significance (3). Last evaluated 2025-11-11.

Conditions:
Hereditary spastic paraplegia 8 (SPG8). Also called: SPASTIC PARAPLEGIA 8, AUTOSOMAL DOMINANT. Identifiers: Orphanet 100989, MedGen C1863704, MONDO:0011339, OMIM 603563.
Ritscher-Schinzel syndrome. Also called: CRANIOCEREBELLOCARDIAC DYSPLASIA. Identifiers: Orphanet 7, MedGen C0796137, MONDO:0019078.

Allele frequency attached by ClinVar (database versions not stated): TOPMed 0.00002; 1000 Genomes Project 30x 0.00016.
gnomAD v4.1: 178 of 1,614,014 alleles (0.011%); highest among the groups gnomAD compares: East Asian, 0.16%; no homozygotes.

Submissions (3):

Labcorp Genetics (formerly Invitae), Labcorp
Classification: Uncertain significance for Ritscher-Schinzel syndrome; Hereditary spastic paraplegia 8. Last evaluated: 2025-11-11. Review status: criteria provided, single submitter. Criteria: Invitae Variant Classification Sherloc (09022015). Collection method: clinical testing. Allele origin: germline.
Comment: This sequence change replaces proline, which is neutral and non-polar, with leucine, which is neutral and non-polar, at codon 1067 of the WASHC5 protein (p.Pro1067Leu). This variant is present in population databases (rs149383757, gnomAD 0.006%). This variant has not been reported in the literature in individuals affected with WASHC5-related conditions. ClinVar contains an entry for this variant (Variation ID: 361713). Invitae Evidence Modeling of protein sequence and biophysical properties (such as structural, functional, and spatial information, amino acid conservation, physicochemical variation, residue mobility, and thermodynamic stability) indicates that this missense variant is not expected to disrupt WASHC5 protein function with a negative predictive value of 80%. In summary, the available evidence is currently insufficient to determine the role of this variant in disease. Therefore, it has been classified as a Variant of Uncertain Significance.

Mayo Clinic Laboratories, Mayo Clinic
Classification: Uncertain significance. Last evaluated: 2024-08-12. Review status: criteria provided, single submitter. Criteria: ACMG Guidelines, 2015. Collection method: clinical testing. Allele origin: germline. Observed: 1 variant allele.
Comment: BS1

Illumina Laboratory Services, Illumina
Classification: Uncertain significance for Hereditary spastic paraplegia 8. Last evaluated: 2018-01-12. Review status: criteria provided, single submitter. Criteria: ICSL Variant Classification Criteria 13 December 2019. Collection method: clinical testing. Allele origin: germline.